The following is an entry in ClinVar:

ClinVar aggregate classification (germline): Uncertain significance (1 of 4 stars; one submission).

Conditions:
Lethal congenital glycogen storage disease of heart. Also called: GLYCOGEN STORAGE DISEASE OF HEART; PHOSPHORYLASE KINASE DEFICIENCY OF HEART. Identifiers: Orphanet 439854, MedGen C1849813, MONDO:0009867, OMIM 261740.

Submission:

Labcorp Genetics (formerly Invitae), Labcorp
Classification: Uncertain significance for Lethal congenital glycogen storage disease of heart. Last evaluated: 2023-06-15. Review status: criteria provided, single submitter. Criteria: Invitae Variant Classification Sherloc (09022015). Collection method: clinical testing. Allele origin: germline.
Comment: This sequence change falls in intron 2 of the PRKAG2 gene. It does not directly change the encoded amino acid sequence of the PRKAG2 protein. It affects a nucleotide within the consensus splice site. This variant is not present in population databases (gnomAD no frequency). This variant has not been reported in the literature in individuals affected with PRKAG2-related conditions. Variants that disrupt the consensus splice site are a relatively common cause of aberrant splicing (PMID: 17576681, 9536098). Algorithms developed to predict the effect of sequence changes on RNA splicing suggest that this variant is not likely to affect RNA splicing. In summary, the available evidence is currently insufficient to determine the role of this variant in disease. Therefore, it has been classified as a Variant of Uncertain Significance.

Literature cited by the submitters: PubMed 17576681; PubMed 9536098.

NM_016203.4(PRKAG2):c.186+4A>C

Gene: PRKAG2 (protein kinase AMP-activated non-catalytic subunit gamma 2; minus strand). Cytogenetic location: 7q36.1.
Variant type: single nucleotide variant.
Coding change: c.186+4A>C on transcript NM_016203.4 (MANE Select); 4 bases into the intron after coding-DNA position 186, A replaced by C.
Molecular consequence: intron variant.
Genome position (GRCh38, 1-based): chr7:151,786,466, T>G on the plus strand (A>C on the coding strand, the complement: PRKAG2 is on the minus strand). VCF-style: chr7-151786466-T-G. GRCh37 (hg19) VCF-style: chr7-151483552-T-G.
Other names: c.186+4A>C (NM_001407031.1, NM_001407030.1, NM_001407023.1 and 2 more transcripts); c.148+27950A>C (NM_001407032.1); c.54+4A>C (NM_001407026.1, NM_001040633.2, NM_001407033.1 and 2 more transcripts).
Identifiers: ClinVar variation 2726135 (VCV002726135.3), dbSNP rs2537960472, ClinGen allele CA2697549714.